The following is an entry in ClinVar:

ClinVar aggregate classification (germline): Likely pathogenic (1 of 4 stars; one submission).

Conditions:
LAMA2-related muscular dystrophy (LAMA2-RD). Also called: Laminin alpha 2-related dystrophy. Identifiers: MedGen C5679788, MONDO:0100228.

Submission:

Myriad Genetics, Inc.
Classification: Likely pathogenic for LAMA2-related muscular dystrophy. Last evaluated: 2020-03-08. Review status: criteria provided, single submitter. Criteria: Myriad Autosomal Dominant, Autosomal Recessive and X-Linked Classification Criteria (2023). Collection method: clinical testing. Allele origin: unknown.
Comment: NM_000426.3(LAMA2):c.3243T>A(C1081*) is expected to be pathogenic in the context of LAMA2-related muscular dystrophy. This variant is predicted to lead to an abnormal or absent protein product due to the creation of a premature termination codon in LAMA2, a gene where loss-of-function variants are known to be pathogenic. Please note: this variant was assessed in the context of healthy population screening.

NM_000426.4(LAMA2):c.3243T>A (p.Cys1081Ter)

Gene: LAMA2 (laminin subunit alpha 2; plus strand). Cytogenetic location: 6q22.33.
Variant type: single nucleotide variant.
Coding change: c.3243T>A on transcript NM_000426.4 (MANE Select); coding-DNA position 3243, T replaced by A.
Protein change: p.Cys1081Ter; replaces cysteine 1081 with a stop codon.
Molecular consequence: nonsense.
Genome position (GRCh38, 1-based): chr6:129,312,929, T>A. VCF-style: chr6-129312929-T-A. GRCh37 (hg19) VCF-style: chr6-129634074-T-A.
Other names: c.3243T>A, p.Cys1081Ter (NM_001079823.2); short protein forms C1081*.
Identifiers: ClinVar variation 983637 (VCV000983637.4), dbSNP rs944013929, ClinGen allele CA365611779.
Genomic context (GRCh38, chr6:129,312,929, plus strand): 5'-CTGCAGCACAGTGGGATCCTTGGATTTCCAATGCAATGTAAATACAGGCCAATGCAACTG[T>A]CATCCAAAATTCTCTGGTGCAAAATGTACAGAGTGCAGTCGAGGTCACTGGAACTACCCT-3'